The following is an entry in ClinVar:

ClinVar aggregate classification (germline): Pathogenic (0 of 4 stars; one submission).

Conditions:
Combined immunodeficiency due to partial RAG1 deficiency. Identifiers: Orphanet 231154, MedGen C1835931, MONDO:0012359, OMIM 609889.

Submission:

Laboratory of Pediatric Immunoinfectivology, Tor Vergata University
Classification: Pathogenic for Combined immunodeficiency due to partial RAG1 deficiency. Last evaluated: 2019-02-28. Review status: no assertion criteria provided. Collection method: clinical testing. Allele origin: germline. Affected: yes.
Comment: CID (Combined Immunodeficiency) T+, reduced B cells, NK+, reduced IgM and IgA ; CHRONIC HHV-6, CMV,EBV VIREMIA; AHIA

RAG1base: R0100

Literature cited by the submitters: DOI 10.3389/fimmu.2019.00316.

NM_000448.2(RAG1):c.[1213A>G;1871G>A]

Variant type: Haplotype.
Identifiers: ClinVar variation 624578 (VCV000624578.3).